The following is an entry in ClinVar:

NM_005204.4(MAP3K8):c.141G>A (p.Met47Ile)

Gene: MAP3K8 (mitogen-activated protein kinase kinase kinase 8; plus strand). Cytogenetic location: 10p11.23.
Variant type: single nucleotide variant.
Coding change: c.141G>A on transcript NM_005204.4 (MANE Select); coding-DNA position 141, G replaced by A.
Protein change: p.Met47Ile; replaces methionine 47 with isoleucine.
Molecular consequence: missense variant.
Genome position (GRCh38, 1-based): chr10:30,439,079, G>A. VCF-style: chr10-30439079-G-A. GRCh37 (hg19) VCF-style: chr10-30728008-G-A.
Other names: c.141G>A (NM_005204.3); c.141G>A, p.Met47Ile (NM_001244134.1, NM_001320961.2); short protein forms M47I.
Identifiers: ClinVar variation 1350193 (VCV001350193.7), dbSNP rs745882056, ClinGen allele CA5459593.
Genomic context (GRCh38, chr10:30,439,079, plus strand): 5'-AGACATTATGGAAAATCTTTATGCAAGTGAAGAGCCAGCAGTTTATGAACCCAGTCTAAT[G>A]ACCATGTGTCAAGACAGTAATCAAAACGATGAGCGTTCTAAGTCTCTGCTGCTTAGTGGC-3'
Protein context (NP_005195.2, residues 37-57): EEPAVYEPSL[Met47Ile]TMCQDSNQND

ClinVar aggregate classification (germline): Uncertain significance. Review status: criteria provided, multiple submitters, no conflicts (2 of 4 stars). 2 submissions from 2 submitters: Uncertain significance (2). Last evaluated 2025-09-11.

Allele frequency attached by ClinVar (database versions not stated): gnomAD exomes 0.00002 and 0.00006; TOPMed 0.00002; ExAC 0.00005.
gnomAD v4.1: 13 of 1,614,196 alleles (0.00081%); highest among the groups gnomAD compares: Admixed American, 0.022%; no homozygotes.

Submissions (2):

Labcorp Genetics (formerly Invitae), Labcorp
Classification: Uncertain significance. Last evaluated: 2025-09-11. Review status: criteria provided, single submitter. Criteria: Invitae Variant Classification Sherloc (09022015). Collection method: clinical testing. Allele origin: germline.
Comment: This sequence change replaces methionine, which is neutral and non-polar, with isoleucine, which is neutral and non-polar, at codon 47 of the MAP3K8 protein (p.Met47Ile). This variant is present in population databases (rs745882056, gnomAD 0.04%). This variant has not been reported in the literature in individuals affected with MAP3K8-related conditions. ClinVar contains an entry for this variant (Variation ID: 1350193). An algorithm developed to predict the effect of missense changes on protein structure and function (PolyPhen-2) suggests that this variant is likely to be tolerated. In summary, the available evidence is currently insufficient to determine the role of this variant in disease. Therefore, it has been classified as a Variant of Uncertain Significance.

Ambry Genetics
Classification: Uncertain significance. Last evaluated: 2024-08-20. Review status: criteria provided, single submitter. Criteria: Ambry Variant Classification Scheme 2023. Collection method: clinical testing. Allele origin: germline.